The following is an entry in ClinVar:

NM_006415.4(SPTLC1):c.1003T>G (p.Tyr335Asp)

Gene: SPTLC1 (serine palmitoyltransferase long chain base subunit 1; minus strand). Cytogenetic location: 9q22.31.
Variant type: single nucleotide variant.
Coding change: c.1003T>G on transcript NM_006415.4 (MANE Select); coding-DNA position 1003, T replaced by G.
Protein change: p.Tyr335Asp; replaces tyrosine 335 with aspartic acid.
Molecular consequence: missense variant.
Genome position (GRCh38, 1-based): chr9:92,047,250, A>C on the plus strand (T>G on the coding strand, the complement: SPTLC1 is on the minus strand). VCF-style: chr9-92047250-A-C. GRCh37 (hg19) VCF-style: chr9-94809532-A-C.
Other names: c.1003T>G, p.Tyr335Asp (NM_001281303.2); c.637T>G, p.Tyr213Asp (NM_001368272.1); c.538T>G, p.Tyr180Asp (NM_001368273.1); short protein forms Y180D, Y213D, Y335D.
Identifiers: ClinVar variation 4823364 (VCV004823364.4).

ClinVar aggregate classification (germline): Uncertain significance (1 of 4 stars; one submission).

Submission:

CeGaT Center for Human Genetics Tuebingen
Classification: Uncertain significance. Last evaluated: 2026-02-01. Review status: criteria provided, single submitter. Criteria: CeGaT Center For Human Genetics Tuebingen Variant Classification Criteria Version 2. Collection method: clinical testing. Allele origin: germline. Affected: yes. Observed: 1 variant allele.
Comment: SPTLC1: PM2, PP3